The following is an entry in ClinVar:

NM_001145319.2(PLS1):c.1875G>T (p.Leu625=)

Gene: PLS1 (plastin 1; plus strand). Cytogenetic location: 3q23.
Variant type: single nucleotide variant.
Coding change: c.1875G>T on transcript NM_001145319.2 (MANE Select); coding-DNA position 1875, G replaced by T.
Protein change: p.Leu625=; no amino-acid change (leucine 625 retained).
Molecular consequence: synonymous variant.
Genome position (GRCh38, 1-based): chr3:142,711,992, G>T. VCF-style: chr3-142711992-G-T. GRCh37 (hg19) VCF-style: chr3-142430834-G-T.
Other names: c.1875G>T, p.Leu625= (NM_001172312.2, NM_002670.3).
Identifiers: ClinVar variation 789716 (VCV000789716.26), dbSNP rs144853166, ClinGen allele CA2651438.

ClinVar aggregate classification (germline): Benign/Likely benign. Review status: criteria provided, multiple submitters, no conflicts (2 of 4 stars). 3 submissions from 3 submitters: Benign (1); Likely benign (2). Last evaluated 2026-07-01.

Allele frequency attached by ClinVar (database versions not stated): gnomAD exomes 0.00046; ExAC 0.00068; ESP Exome Variant Server 0.00185; gnomAD 0.00190 and 0.00205; TOPMed 0.00223; 1000 Genomes Project 30x 0.00234; 1000 Genomes Project 0.00260.
gnomAD v4.1: 572 of 1,613,154 alleles (0.035%); highest among the groups gnomAD compares: African/African-American, 0.66%; 2 homozygotes.

Submissions (3):

CeGaT Center for Human Genetics Tuebingen
Classification: Likely benign. Last evaluated: 2026-07-01. Review status: criteria provided, single submitter. Criteria: CeGaT Center For Human Genetics Tuebingen Variant Classification Criteria Version 2. Collection method: clinical testing. Allele origin: germline. Affected: yes. Observed: 2 variant alleles.
Comment: PLS1: BP4, BP7

Labcorp Genetics (formerly Invitae), Labcorp
Classification: Benign. Last evaluated: 2018-03-29. Review status: criteria provided, single submitter. Criteria: Invitae Variant Classification Sherloc (09022015). Collection method: clinical testing. Allele origin: germline.

Breakthrough Genomics
Classification: Likely benign. Review status: criteria provided, single submitter. Criteria: ACMG Guidelines, 2015. Collection method: not provided. Allele origin: germline. Inheritance: Autosomal dominant inheritance. Affected: yes.